The following is an entry in ClinVar:

ClinVar aggregate classification (germline): Uncertain significance (1 of 4 stars; one submission).

Allele frequency attached by ClinVar (database versions not stated): ExAC 0.00001; gnomAD 0.00001; gnomAD exomes 0.00001 and 0.00002; TOPMed 0.00001.
gnomAD v4.1: 9 of 1,613,970 alleles (0.00056%); highest among the groups gnomAD compares: Middle Eastern, 0.033%; no homozygotes.

Submission:

GeneDx
Classification: Uncertain significance. Last evaluated: 2020-12-31. Review status: criteria provided, single submitter. Criteria: GeneDx Variant Classification Process June 2021. Collection method: clinical testing. Allele origin: germline. Affected: yes.
Comment: In silico analysis supports that this missense variant does not alter protein structure/function; Has not been previously published as pathogenic or benign to our knowledge

NM_001378609.3(OTOGL):c.5701A>G (p.Ile1901Val)

Gene: OTOGL (otogelin like; plus strand). Cytogenetic location: 12q21.31.
Variant type: single nucleotide variant.
Coding change: c.5701A>G on transcript NM_001378609.3 (MANE Select); coding-DNA position 5701, A replaced by G.
Protein change: p.Ile1901Val; replaces isoleucine 1901 with valine.
Molecular consequence: missense variant.
Genome position (GRCh38, 1-based): chr12:80,355,843, A>G. VCF-style: chr12-80355843-A-G. GRCh37 (hg19) VCF-style: chr12-80749623-A-G.
Other names: c.5566A>G, p.Ile1856Val (NM_001368062.3); c.5701A>G, p.Ile1901Val (NM_001378610.3, NM_173591.7); short protein forms I1856V, I1901V.
Identifiers: ClinVar variation 1302486 (VCV001302486.2), dbSNP rs771173954, ClinGen allele CA6701784.